The following is an entry in ClinVar:

ClinVar aggregate classification (germline): Uncertain significance (1 of 4 stars; one submission).

Submission:

GeneDx
Classification: Uncertain significance. Last evaluated: 2017-07-04. Review status: criteria provided, single submitter. Criteria: GeneDx Variant Classification (06012015). Collection method: clinical testing. Allele origin: germline. Affected: yes.
Comment: However, a different nucleotide substitution (c.67 T>C) that also results in the F23L missense substitution was previously reported in association with cardiomyopathy (Coppini et al., 2014). The F23L (c.69 T>A) variant is not observed in large population cohorts (Lek et al., 2016; 1000 Genomes Consortium et al., 2015; Exome Variant Server). This substitution occurs at a position that is conserved across species and in silico analysis suggests that this variant is probably damaging to the protein structure/function. Nevertheless, the F23L variant is a conservative amino acid substitution, which is not likely to impact secondary protein structure as these residues share similar properties.

NM_005159.5(ACTC1):c.69T>A (p.Phe23Leu)

Genes: ACTC1 (actin alpha cardiac muscle 1; minus strand), GJD2-DT (GJD2 divergent transcript; plus strand). Cytogenetic location: 15q14.
Variant type: single nucleotide variant.
Coding change: c.69T>A on transcript NM_005159.5 (MANE Select); coding-DNA position 69, T replaced by A.
Protein change: p.Phe23Leu; replaces phenylalanine 23 with leucine.
Molecular consequence: missense variant.
Genome position (GRCh38, 1-based): chr15:34,794,740, A>T on the plus strand (T>A on the coding strand, the complement: ACTC1 is on the minus strand). VCF-style: chr15-34794740-A-T. GRCh37 (hg19) VCF-style: chr15-35086941-A-T.
Other names: c.69T>A (LRG_388t1); short protein forms F23L.
Identifiers: ClinVar variation 450168 (VCV000450168.2), dbSNP rs1555419008, ClinGen allele CA391633250.
Genomic context (GRCh38, chr15:34,794,740, plus strand): 5'-CTGGTGCCGCGGGCGGCCCACGATGGACGGGAAGACAGCGCGGGGCGCGTCATCGCCCGC[A>T]AAGCCGGCCTTCACCAGCCCAGAGCCGTTGTCGCACACCAGGGCGGTGGTCTCCTCGTCG-3'
Protein context (NP_005150.1, residues 13-33): DNGSGLVKAG[Phe23Leu]AGDDAPRAVF